The following is an entry in ClinVar:

NM_145290.4(ADGRA3):c.3787A>C (p.Lys1263Gln)

Gene: ADGRA3 (adhesion G protein-coupled receptor A3; minus strand). Cytogenetic location: 4p15.2.
Variant type: single nucleotide variant.
Coding change: c.3787A>C on transcript NM_145290.4 (MANE Select); coding-DNA position 3787, A replaced by C.
Protein change: p.Lys1263Gln; replaces lysine 1263 with glutamine.
Molecular consequence: missense variant.
Genome position (GRCh38, 1-based): chr4:22,387,884, T>G on the plus strand (A>C on the coding strand, the complement: ADGRA3 is on the minus strand). VCF-style: chr4-22387884-T-G. GRCh37 (hg19) VCF-style: chr4-22389507-T-G.
Other names: short protein forms K1263Q.
Identifiers: ClinVar variation 969783 (VCV000969783.10), dbSNP rs1713908676, ClinGen allele CA356471680.

ClinVar aggregate classification (germline): Uncertain significance (1 of 4 stars; one submission).

Allele frequency attached by ClinVar (database versions not stated): TOPMed below 0.00001; gnomAD exomes 0.00001.
gnomAD v4.1: 11 of 1,614,192 alleles (0.00068%); highest among the groups gnomAD compares: Non-Finnish European, 0.00093%; no homozygotes.

Submission:

Labcorp Genetics (formerly Invitae), Labcorp
Classification: Uncertain significance. Last evaluated: 2022-03-10. Review status: criteria provided, single submitter. Criteria: Invitae Variant Classification Sherloc (09022015). Collection method: clinical testing. Allele origin: germline.
Comment: Algorithms developed to predict the effect of missense changes on protein structure and function (SIFT, PolyPhen-2, Align-GVGD) all suggest that this variant is likely to be tolerated. This sequence change replaces lysine, which is basic and polar, with glutamine, which is neutral and polar, at codon 1263 of the ADGRA3 protein (p.Lys1263Gln). This variant is not present in population databases (gnomAD no frequency). This variant has not been reported in the literature in individuals affected with ADGRA3-related conditions. ClinVar contains an entry for this variant (Variation ID: 969783). In summary, the available evidence is currently insufficient to determine the role of this variant in disease. Therefore, it has been classified as a Variant of Uncertain Significance.